The following is an entry in ClinVar:

ClinVar aggregate classification (germline): Uncertain significance (1 of 4 stars; one submission).

Conditions:
Inborn genetic diseases. Identifiers: MedGen C0950123, MeSH D030342.

gnomAD v4.1: 16 of 1,611,856 alleles (0.00099%); highest among the groups gnomAD compares: Non-Finnish European, 0.0012%; no homozygotes.

Submission:

Ambry Genetics
Classification: Uncertain significance for Inborn genetic diseases. Last evaluated: 2022-04-02. Review status: criteria provided, single submitter. Criteria: Ambry Variant Classification Scheme 2023. Collection method: clinical testing. Allele origin: germline.
Comment: The p.P214R variant (also known as c.641C>G), located in coding exon 7 of the MDH2 gene, results from a C to G substitution at nucleotide position 641. The proline at codon 214 is replaced by arginine, an amino acid with dissimilar properties. This amino acid position is conserved. In addition, this alteration is predicted to be deleterious by in silico analysis. Since supporting evidence is limited at this time, the clinical significance of this alteration remains unclear.

NM_005918.4(MDH2):c.641C>G (p.Pro214Arg)

Gene: MDH2 (malate dehydrogenase 2; plus strand). Cytogenetic location: 7q11.23.
Variant type: single nucleotide variant.
Coding change: c.641C>G on transcript NM_005918.4 (MANE Select); coding-DNA position 641, C replaced by G.
Protein change: p.Pro214Arg; replaces proline 214 with arginine.
Molecular consequence: missense variant.
Genome position (GRCh38, 1-based): chr7:76,064,346, C>G. VCF-style: chr7-76064346-C-G. GRCh37 (hg19) VCF-style: chr7-75693664-C-G.
Other names: c.515C>G, p.Pro172Arg (NM_001282403.2); c.320C>G, p.Pro107Arg (NM_001282404.2); short protein forms P172R, P107R, P214R.
Identifiers: ClinVar variation 1753421 (VCV001753421.2), dbSNP rs146302743, ClinGen allele CA367767165.